The following is an entry in ClinVar:

ClinVar aggregate classification (germline): Conflicting classifications of pathogenicity. Review status: criteria provided, conflicting classifications (1 of 4 stars). 2 submissions from 2 submitters: Likely pathogenic (1); Uncertain significance (1). Last evaluated 2023-12-22.

Conditions:
Auditory neuropathy. Identifiers: MedGen C1852271, MONDO:0021944.

Submissions (2):

WangQJ Lab, Chinese People's Liberation Army General Hospital
Classification: Likely pathogenic for Auditory neuropathy. Last evaluated: 2023-12-22. Review status: criteria provided, single submitter. Criteria: Submitter's publication. Collection method: research. Allele origin: germline. Affected: yes. Observed: 1 variant allele.

GeneDx
Classification: Uncertain significance. Last evaluated: 2019-09-17. Review status: criteria provided, single submitter. Criteria: GeneDx Variant Classification Process June 2021. Collection method: clinical testing. Allele origin: germline. Affected: yes.
Comment: Not observed in large population cohorts (Lek et al., 2016); In-frame deletion of 1 amino acids in a non-repeat region; In silico analysis, which includes protein predictors and evolutionary conservation, supports a deleterious effect; This variant is associated with the following publications: (PMID: 30634948)

Literature cited by the submitters: PubMed 30634948 (cited by WangQJ Lab, Chinese People's Liberation Army General Hospital).

NM_004085.3(TIMM8A):c.133_135del

Gene: TIMM8A (translocase of inner mitochondrial membrane 8A; minus strand). Cytogenetic location: Xq22.1.
Variant type: Deletion.
Coding change: c.133_135del on transcript NM_004085.3; coding-DNA positions 133 to 135, 3 bases deleted (GAG; older notation c.133_135delGAG).
Molecular consequence: 3 prime UTR variant (on NM_001145951.2).
Genome position (GRCh38, 1-based): chrX:101,346,658-101,346,660, CTC deleted on the plus strand (GAG on the coding strand, the reverse complement: TIMM8A is on the minus strand); deleting any 3 consecutive bases within chrX:101,346,658-101,346,662 gives the same sequence; the c. name uses the placement nearest the transcript's 3' end. VCF-style (leftmost placement, unchanged base first): chrX-101346657-TCTC-T. GRCh37 (hg19) VCF-style: chrX-100601645-TCTC-T.
Other names: c.*1727_*1729del (NM_001145951.2).
Identifiers: ClinVar variation 1303795 (VCV001303795.5), dbSNP rs1555976134, ClinGen allele CA413914464.